The following is an entry in ClinVar:

NM_004408.4(DNM1):c.1631T>C (p.Val544Ala)

Gene: DNM1 (dynamin 1; plus strand). Cytogenetic location: 9q34.11.
Variant type: single nucleotide variant.
Coding change: c.1631T>C on transcript NM_004408.4 (MANE Select); coding-DNA position 1631, T replaced by C.
Protein change: p.Val544Ala; replaces valine 544 with alanine.
Molecular consequence: missense variant.
Genome position (GRCh38, 1-based): chr9:128,242,305, T>C. VCF-style: chr9-128242305-T-C. GRCh37 (hg19) VCF-style: chr9-131004584-T-C.
Other names: c.1631T>C, p.Val544Ala (NM_001005336.3, NM_001288737.2, NM_001288738.2 and 2 more transcripts); short protein forms V544A.
Identifiers: ClinVar variation 2092429 (VCV002092429.4), dbSNP rs2539074161, ClinGen allele CA375025896.

ClinVar aggregate classification (germline): Uncertain significance (1 of 4 stars; one submission).

Conditions:
Developmental and epileptic encephalopathy, 31A. Also called: Developmental and epileptic encephalopathy, 31; Epileptic encephalopathy, early infantile, 31. Identifiers: Orphanet 2382, MedGen C4225357, MONDO:0014598, OMIM 616346.

Submission:

Labcorp Genetics (formerly Invitae), Labcorp
Classification: Uncertain significance for Developmental and epileptic encephalopathy, 31A. Last evaluated: 2022-04-23. Review status: criteria provided, single submitter. Criteria: Invitae Variant Classification Sherloc (09022015). Collection method: clinical testing. Allele origin: germline.
Comment: This sequence change replaces valine, which is neutral and non-polar, with alanine, which is neutral and non-polar, at codon 544 of the DNM1 protein (p.Val544Ala). This variant is not present in population databases (gnomAD no frequency). This variant has not been reported in the literature in individuals affected with DNM1-related conditions. Algorithms developed to predict the effect of missense changes on protein structure and function are either unavailable or do not agree on the potential impact of this missense change (SIFT: "Tolerated"; PolyPhen-2: "Possibly Damaging"; Align-GVGD: "Class C0"). In summary, the available evidence is currently insufficient to determine the role of this variant in disease. Therefore, it has been classified as a Variant of Uncertain Significance.